The following is an entry in ClinVar:

ClinVar aggregate classification (germline): Uncertain significance. Review status: criteria provided, multiple submitters, no conflicts (2 of 4 stars). 3 submissions from 3 submitters: Uncertain significance (3). Last evaluated 2025-02-20.

Conditions:
DYRK1A-related intellectual disability syndrome (MRD7). Also called: DYRK1A Syndrome; Intellectual developmental disorder, autosomal dominant 7. Identifiers: Orphanet 464306, MedGen C5568143, MONDO:0013578, OMIM 614104.

Allele frequency attached by ClinVar (database versions not stated): gnomAD exomes below 0.00001; TOPMed 0.00002.

Submissions (3):

GeneDx
Classification: Uncertain significance. Last evaluated: 2025-02-20. Review status: criteria provided, single submitter. Criteria: GeneDx Variant Classification Process June 2021. Collection method: clinical testing. Allele origin: germline. Affected: yes.
Comment: Not observed at significant frequency in large population cohorts (gnomAD); In silico analysis supports that this missense variant has a deleterious effect on protein structure/function; Has not been previously published as pathogenic or benign to our knowledge

Labcorp Genetics (formerly Invitae), Labcorp
Classification: Uncertain significance for DYRK1A-related intellectual disability syndrome. Last evaluated: 2024-10-23. Review status: criteria provided, single submitter. Criteria: Invitae Variant Classification Sherloc (09022015). Collection method: clinical testing. Allele origin: germline.
Comment: This sequence change replaces proline, which is neutral and non-polar, with leucine, which is neutral and non-polar, at codon 19 of the DYRK1A protein (p.Pro19Leu). This variant is not present in population databases (gnomAD no frequency). This variant has not been reported in the literature in individuals affected with DYRK1A-related conditions. ClinVar contains an entry for this variant (Variation ID: 1384283). Invitae Evidence Modeling of protein sequence and biophysical properties (such as structural, functional, and spatial information, amino acid conservation, physicochemical variation, residue mobility, and thermodynamic stability) has been performed for this missense variant. However, the output from this modeling did not meet the statistical confidence thresholds required to predict the impact of this variant on DYRK1A protein function. In summary, the available evidence is currently insufficient to determine the role of this variant in disease. Therefore, it has been classified as a Variant of Uncertain Significance.

CeGaT Center for Human Genetics Tuebingen
Classification: Uncertain significance. Last evaluated: 2022-05-01. Review status: criteria provided, single submitter. Criteria: CeGaT Center For Human Genetics Tuebingen Variant Classification Criteria Version 2. Collection method: clinical testing. Allele origin: germline. Affected: yes. Observed: 1 variant allele.
Comment: DYRK1A: PM2, PP2

NM_001347721.2(DYRK1A):c.56C>T (p.Pro19Leu)

Gene: DYRK1A (dual specificity tyrosine phosphorylation regulated kinase 1A; plus strand). Cytogenetic location: 21q22.13.
Variant type: single nucleotide variant.
Coding change: c.56C>T on transcript NM_001347721.2 (MANE Select); coding-DNA position 56, C replaced by T.
Protein change: p.Pro19Leu; replaces proline 19 with leucine.
Molecular consequence: missense variant. On other transcripts: 5 prime UTR variant (1).
Genome position (GRCh38, 1-based): chr21:37,472,729, C>T. VCF-style: chr21-37472729-C-T. GRCh37 (hg19) VCF-style: chr21-38845031-C-T.
Other names: c.56C>T, p.Pro19Leu (NM_001347722.2, NM_001396.5, NM_101395.2 and 2 more transcripts); c.-32C>T (NM_001347723.2); c.56C>T (NM_001396.3); short protein forms P19L.
Identifiers: ClinVar variation 1384283 (VCV001384283.31), dbSNP rs1056885794, ClinGen allele CA320471805.